The following is an entry in ClinVar:

ClinVar aggregate classification (germline): Conflicting classifications of pathogenicity. Review status: criteria provided, conflicting classifications (1 of 4 stars). 12 submissions from 12 submitters: Uncertain significance (1); Benign (3); Likely benign (5). 3 of the submissions do not count toward it. Last evaluated 2026-09-01.

Conditions:
Early-infantile DEE. Also called: Early infantile epileptic encephalopathy; Ohtahara syndrome; Early infantile epileptic encephalopathy with suppression bursts. Identifiers: Orphanet 1934, MedGen C0393706, MONDO:0800491.
SLC25A22-related disorder. Also called: SLC25A22-related condition.
Developmental and epileptic encephalopathy, 3 (DEE3). Also called: Epileptic encephalopathy, early infantile, 3. Identifiers: MedGen C5574665, MONDO:0012245, OMIM 609304.
Inborn genetic diseases. Identifiers: MedGen C0950123, MeSH D030342.
Early Myoclonic Encephalopathy. Identifiers: MedGen C0270855.

Allele frequency attached by ClinVar (database versions not stated): 1000 Genomes Project 0.00100; 1000 Genomes Project 30x 0.00109; gnomAD 0.00137; ESP Exome Variant Server 0.00170; TOPMed 0.00202.
gnomAD v4.1: 4,320 of 1,611,990 alleles (0.27%); highest among the groups gnomAD compares: Admixed American, 0.46%; 10 homozygotes.

Submissions (12):

CeGaT Center for Human Genetics Tuebingen
Classification: Likely benign. Last evaluated: 2026-09-01. Review status: criteria provided, single submitter. Criteria: CeGaT Center For Human Genetics Tuebingen Variant Classification Criteria Version 2. Collection method: clinical testing. Allele origin: germline. Affected: yes. Observed: 21 variant alleles.
Comment: SLC25A22: BS2

Labcorp Genetics (formerly Invitae), Labcorp
Classification: Benign for Early-infantile DEE. Last evaluated: 2026-01-28. Review status: criteria provided, single submitter. Criteria: Invitae Variant Classification Sherloc (09022015). Collection method: clinical testing. Allele origin: germline.

Blueprint Genetics
Classification: Likely benign. Last evaluated: 2024-11-07. Review status: criteria provided, single submitter. Criteria: ACMG Guidelines, 2015. Collection method: clinical testing. Allele origin: germline.

ARUP Laboratories, Molecular Genetics and Genomics, ARUP Laboratories
Classification: Benign for Developmental and epileptic encephalopathy, 3. Last evaluated: 2023-09-15. Review status: criteria provided, single submitter. Criteria: ARUP Molecular Germline Variant Investigation Process 2024. Collection method: clinical testing. Allele origin: germline.

Illumina Laboratory Services, Illumina
Classification: Uncertain significance for Developmental and epileptic encephalopathy, 3. Last evaluated: 2018-01-12. Review status: criteria provided, single submitter. Criteria: ICSL Variant Classification Criteria 13 December 2019. Collection method: clinical testing. Allele origin: germline.

Athena Diagnostics
Classification: Likely benign. Last evaluated: 2017-12-14. Review status: criteria provided, single submitter. Criteria: Athena Diagnostics Criteria. Collection method: clinical testing. Allele origin: germline.

Ambry Genetics
Classification: Likely benign for Inborn genetic diseases. Last evaluated: 2016-09-07. Review status: criteria provided, single submitter. Criteria: Ambry Variant Classification Scheme 2023. Collection method: clinical testing. Allele origin: germline.

Eurofins Ntd Llc (ga)
Classification: Likely benign. Last evaluated: 2015-11-24. Review status: criteria provided, single submitter. Criteria: EGL Classification Definitions 2015. Collection method: clinical testing. Allele origin: germline. Observed: 3 variant alleles, 3 heterozygotes.

GeneDx
Classification: Benign. Last evaluated: 2013-01-30. Review status: criteria provided, single submitter. Criteria: GeneDx Variant Classification (06012015). Collection method: clinical testing. Allele origin: germline. Affected: yes.
Comment: This variant is considered likely benign or benign based on one or more of the following criteria: it is a conservative change, it occurs at a poorly conserved position in the protein, it is predicted to be benign by multiple in silico algorithms, and/or has population frequency not consistent with disease.

PreventionGenetics, part of Exact Sciences
Classification: Likely benign for SLC25A22-related condition. Last evaluated: 2019-03-21. Review status: no assertion criteria provided. Collection method: clinical testing. Allele origin: germline. Not counted in ClinVar's aggregate classification.
Comment: This variant is classified as likely benign based on ACMG/AMP sequence variant interpretation guidelines (Richards et al. 2015 PMID: 25741868, with internal and published modifications).

Clinical Genetics DNA and cytogenetics Diagnostics Lab, Erasmus MC, Erasmus Medical Center
Classification: Likely benign. Review status: no assertion criteria provided. Collection method: clinical testing. Allele origin: germline. Affected: yes. Study: VKGL Data-share Consensus. Not counted in ClinVar's aggregate classification.

Genome Diagnostics Laboratory, University Medical Center Utrecht
Classification: Likely benign. Review status: no assertion criteria provided. Collection method: clinical testing. Allele origin: germline. Affected: yes. Study: VKGL Data-share Consensus. Not counted in ClinVar's aggregate classification.

NM_001191061.2(SLC25A22):c.570C>T (p.Leu190=)

Gene: SLC25A22 (solute carrier family 25 member 22; minus strand). Cytogenetic location: 11p15.5.
Variant type: single nucleotide variant.
Coding change: c.570C>T on transcript NM_001191061.2 (MANE Select); coding-DNA position 570, C replaced by T.
Protein change: p.Leu190=; no amino-acid change (leucine 190 retained).
Molecular consequence: synonymous variant.
Genome position (GRCh38, 1-based): chr11:792,570, G>A on the plus strand (C>T on the coding strand, the complement: SLC25A22 is on the minus strand). VCF-style: chr11-792570-G-A. GRCh37 (hg19) VCF-style: chr11-792570-G-A.
Other names: p.L190L:CTC>CTT; c.570C>T, p.Leu190= (NM_001191060.2, NM_024698.6); c.570C>T (NM_001191060.1).
Identifiers: ClinVar variation 139139 (VCV000139139.56), dbSNP rs145322467, ClinGen allele CA232575.
Genomic context (GRCh38, chr11:792,570, plus strand): 5'-CGGCCTCCCCCTTCCCTCCCCCCACCTGCCCTGTGCCTCCTACCTGAGCAGCGTGGCCCC[G>A]AGTCCCTTGTAGAGACCGGCAATGCCACGGCTCCGCAGCAGGTCGCGGGTCAGCTGGGTG-3'
Protein context (NP_001177990.1, residues 180-200): SRGIAGLYKG[Leu190=]GATLLRDVPF